The following is an entry in ClinVar:

NM_053025.4(MYLK):c.2691C>G (p.Phe897Leu)

Gene: MYLK (myosin light chain kinase; minus strand). Cytogenetic location: 3q21.1.
Variant type: single nucleotide variant.
Coding change: c.2691C>G on transcript NM_053025.4 (MANE Select); coding-DNA position 2691, C replaced by G.
Protein change: p.Phe897Leu; replaces phenylalanine 897 with leucine.
Molecular consequence: missense variant.
Genome position (GRCh38, 1-based): chr3:123,700,777, G>C on the plus strand (C>G on the coding strand, the complement: MYLK is on the minus strand). VCF-style: chr3-123700777-G-C. GRCh37 (hg19) VCF-style: chr3-123419624-G-C.
Other names: c.2163C>G, p.Phe721Leu (NM_001321309.2); c.2484C>G, p.Phe828Leu (NM_053026.4, NM_053028.4); c.2691C>G, p.Phe897Leu (NM_053027.4); short protein forms F828L, F721L, F897L.
Identifiers: ClinVar variation 3876589 (VCV003876589.1).

ClinVar aggregate classification (germline): Uncertain significance (1 of 4 stars; one submission).

Conditions:
Familial thoracic aortic aneurysm and aortic dissection (TAAD). Also called: Thoracic aortic aneurysms and dissections. Identifiers: Orphanet 91387, MedGen C4707243, MONDO:0019625.

Submission:

Ambry Genetics
Classification: Uncertain significance for Familial thoracic aortic aneurysm and aortic dissection. Last evaluated: 2025-02-06. Review status: criteria provided, single submitter. Criteria: Ambry Variant Classification Scheme 2023. Collection method: clinical testing. Allele origin: germline.
Comment: The p.F897L variant (also known as c.2691C>G), located in coding exon 15 of the MYLK gene, results from a C to G substitution at nucleotide position 2691. The phenylalanine at codon 897 is replaced by leucine, an amino acid with highly similar properties. This amino acid position is conserved. In addition, the in silico prediction for this alteration is inconclusive. Based on the available evidence, the clinical significance of this variant remains unclear.